The following is an entry in ClinVar:

NM_023110.3(FGFR1):c.1552T>C (p.Ser518Pro)

Gene: FGFR1 (fibroblast growth factor receptor 1; minus strand). Cytogenetic location: 8p11.23.
Variant type: single nucleotide variant.
Coding change: c.1552T>C on transcript NM_023110.3 (MANE Select); coding-DNA position 1552, T replaced by C.
Protein change: p.Ser518Pro; replaces serine 518 with proline.
Molecular consequence: missense variant.
Genome position (GRCh38, 1-based): chr8:38,417,870, A>G on the plus strand (T>C on the coding strand, the complement: FGFR1 is on the minus strand). VCF-style: chr8-38417870-A-G. GRCh37 (hg19) VCF-style: chr8-38275388-A-G.
Other names: c.1546T>C, p.Ser516Pro (NM_001174063.2, NM_001174065.2, NM_001354367.2 and 1 more transcripts); c.1522T>C, p.Ser508Pro (NM_001174064.2); c.1285T>C, p.Ser429Pro (NM_001174066.2, NM_023105.3); c.1645T>C, p.Ser549Pro (NM_001174067.2); c.1273T>C, p.Ser425Pro (NM_001354368.2); c.1540T>C, p.Ser514Pro (NM_001354369.2, NM_001410922.1); c.1279T>C, p.Ser427Pro (NM_001354370.2, NM_023106.3); short protein forms S425P, S427P, S429P, S508P, S514P, S516P, S518P, S549P.
Identifiers: ClinVar variation 4881422 (VCV004881422.2).

ClinVar aggregate classification (germline): Uncertain significance (1 of 4 stars; one submission).

Submission:

Dasa
Classification: Uncertain significance. Last evaluated: 2026-04-16. Review status: criteria provided, single submitter. Criteria: DASA Assertion Criteria. Collection method: clinical testing. Allele origin: germline.
Comment: NM_023110.3(FGFR1):c.1552T>C (p.Ser518Pro) is a missense variant that results in the substitution of serine with proline. This variant is absent from population databases. Computational prediction algorithms are consistent with a deleterious effect. The currently available literature and clinical evidence are not sufficient to establish a definitive association between this variant and the reported condition. Therefore, this variant is classified as a variant of uncertain significance.